The following is an entry in ClinVar:

NM_004586.3(RPS6KA3):c.840_845+3del

Gene: RPS6KA3 (ribosomal protein S6 kinase A3; minus strand). Cytogenetic location: Xp22.12.
Variant type: Deletion.
Coding change: c.840_845+3del on transcript NM_004586.3 (MANE Select); coding-DNA position 840 through 3 bases into the intron after coding-DNA position 845, 9 bases deleted (TCTTAAGTA; older notation c.840_845+3delTCTTAAGTA).
Molecular consequence: splice donor variant.
Genome position (GRCh38, 1-based): chrX:20,186,293-20,186,301, TACTTAAGA deleted on the plus strand (TCTTAAGTA on the coding strand, the reverse complement: RPS6KA3 is on the minus strand). VCF-style (leftmost placement, unchanged base first): chrX-20186292-TTACTTAAGA-T. GRCh37 (hg19) VCF-style: chrX-20204410-TTACTTAAGA-T.
Identifiers: ClinVar variation 2952379 (VCV002952379.3), dbSNP rs2519725491, ClinGen allele CA2740092055.

ClinVar aggregate classification (germline): Likely pathogenic (1 of 4 stars; one submission).

Conditions:
Intellectual developmental disorder, X-linked 19. Also called: Intellectual disability, X-linked 19. Identifiers: Orphanet 777, MedGen C0796225, MONDO:0010447, OMIM 300844.
Coffin-Lowry syndrome (CLS). Also called: COFFIN-LOWRY SYNDROME, MILD; Mental retardation with osteocartilaginous abnormalities. Identifiers: Orphanet 192, MedGen C0265252, MONDO:0010561, OMIM 303600.

Submission:

Labcorp Genetics (formerly Invitae), Labcorp
Classification: Likely pathogenic for Coffin-Lowry syndrome; Intellectual developmental disorder, X-linked 19. Last evaluated: 2023-09-29. Review status: criteria provided, single submitter. Criteria: Invitae Variant Classification Sherloc (09022015). Collection method: clinical testing. Allele origin: germline.
Comment: This variant results in the deletion of part of exon 10 of the RPS6KA3 gene. It is expected to disrupt RNA splicing. Variants that disrupt the donor or acceptor splice site typically lead to a loss of protein function (PMID: 16199547), and loss-of-function variants in RPS6KA3 are known to be pathogenic (PMID: 9837815, 19888300). This variant is not present in population databases (gnomAD no frequency). This variant has not been reported in the literature in individuals affected with RPS6KA3-related conditions. In summary, the currently available evidence indicates that the variant is pathogenic, but additional data are needed to prove that conclusively. Therefore, this variant has been classified as Likely Pathogenic.

Literature cited by the submitters: PubMed 16199547; PubMed 9837815; PubMed 19888300.